The following is an entry in ClinVar:

NM_017654.4(SAMD9):c.87C>A (p.Asp29Glu)

Gene: SAMD9 (sterile alpha motif domain containing 9; minus strand). Cytogenetic location: 7q21.2.
Variant type: single nucleotide variant.
Coding change: c.87C>A on transcript NM_017654.4 (MANE Select); coding-DNA position 87, C replaced by A.
Protein change: p.Asp29Glu; replaces aspartic acid 29 with glutamic acid.
Molecular consequence: missense variant.
Genome position (GRCh38, 1-based): chr7:93,106,011, G>T on the plus strand (C>A on the coding strand, the complement: SAMD9 is on the minus strand). VCF-style: chr7-93106011-G-T. GRCh37 (hg19) VCF-style: chr7-92735324-G-T.
Other names: c.87C>A, p.Asp29Glu (NM_001193307.2); short protein forms D29E.
Identifiers: ClinVar variation 1337725 (VCV001337725.11), dbSNP rs758063917, ClinGen allele CA161995415.

ClinVar aggregate classification (germline): Uncertain significance. Review status: criteria provided, multiple submitters, no conflicts (2 of 4 stars). 3 submissions from 3 submitters: Uncertain significance (3). Last evaluated 2025-10-08.

Conditions:
Inborn genetic diseases. Identifiers: MedGen C0950123, MeSH D030342.

Allele frequency attached by ClinVar (database versions not stated): gnomAD 0.00002; TOPMed 0.00003.

Submissions (3):

Labcorp Genetics (formerly Invitae), Labcorp
Classification: Uncertain significance. Last evaluated: 2025-10-08. Review status: criteria provided, single submitter. Criteria: Invitae Variant Classification Sherloc (09022015). Collection method: clinical testing. Allele origin: germline.
Comment: This sequence change replaces aspartic acid, which is acidic and polar, with glutamic acid, which is acidic and polar, at codon 29 of the SAMD9 protein (p.Asp29Glu). This variant is present in population databases (rs758063917, gnomAD 0.002%). This variant has not been reported in the literature in individuals affected with SAMD9-related conditions. ClinVar contains an entry for this variant (Variation ID: 1337725). Invitae Evidence Modeling of protein sequence and biophysical properties (such as structural, functional, and spatial information, amino acid conservation, physicochemical variation, residue mobility, and thermodynamic stability) indicates that this missense variant is not expected to disrupt SAMD9 protein function with a negative predictive value of 95%. In summary, the available evidence is currently insufficient to determine the role of this variant in disease. Therefore, it has been classified as a Variant of Uncertain Significance.

Ambry Genetics
Classification: Uncertain significance for Inborn genetic diseases. Last evaluated: 2025-01-14. Review status: criteria provided, single submitter. Criteria: Ambry Variant Classification Scheme 2023. Collection method: clinical testing. Allele origin: germline.
Comment: The p.D29E variant (also known as c.87C>A), located in coding exon 1 of the SAMD9 gene, results from a C to A substitution at nucleotide position 87. The aspartic acid at codon 29 is replaced by glutamic acid, an amino acid with highly similar properties. This amino acid position is conserved. In addition, this alteration is predicted to be tolerated by in silico analysis. Based on the available evidence, the clinical significance of this variant remains unclear.

Genetic Services Laboratory, University of Chicago
Classification: Uncertain significance. Last evaluated: 2020-09-10. Review status: criteria provided, single submitter. Criteria: ACMG Guidelines, 2015. Collection method: clinical testing. Allele origin: germline. Affected: no.
Comment: DNA sequence analysis of the SAMD9 gene demonstrated a sequence change, c.87C>A, in exon 3 that results in an amino acid change, p.Asp29Glu. This sequence change does not appear to have been previously described in patients with SAMD9-related disorders and has been described in the gnomAD database in three individuals with an overall population frequency of 0.001% (dbSNP rs758063917). The p.Asp29Glu change affects a moderately conserved amino acid residue located in a domain of the SAMD9 protein that is known to be functional. The p.Asp29Glu substitution appears to be benign using several in-silico pathogenicity prediction tools (SIFT, PolyPhen2, Align GVGD, REVEL). Due to these contrasting evidences and the lack of functional studies, the clinical significance of the p.Asp29Glu change remains unknown at this time.